The following is an entry in ClinVar:

ClinVar aggregate classification (germline): Uncertain significance. Review status: criteria provided, multiple submitters, no conflicts (2 of 4 stars). 21 submissions from 21 submitters: Uncertain significance (19). 2 of the submissions do not count toward it. Last evaluated 2026-08-11.

Conditions:
Ovarian cancer. Also called: OVARIAN CANCER, SOMATIC. Identifiers: Orphanet 213500, MedGen C1140680, MONDO:0008170, OMIM 167000.
Fanconi anemia complementation group J. Also called: BRIP1-Related Fanconi Anemia. Identifiers: Orphanet 84, MedGen C1836860, MONDO:0012187, OMIM 609054.
BRIP1-related disorder. Also called: BRIP1-related condition; BRIP1-related disorders. Identifiers: MedGen CN239206.
Breast and/or ovarian cancer. Identifiers: MedGen CN221562.
Familial cancer of breast. Also called: Hereditary breast cancer; BREAST CANCER, FAMILIAL; hereditary breast carcinoma. Identifiers: Orphanet 227535, MedGen C0346153, MONDO:0016419, OMIM 114480. Disease mechanism: loss of function.
Hereditary cancer-predisposing syndrome. Also called: Neoplastic Syndromes, Hereditary; Tumor predisposition; Hereditary neoplastic syndrome; Hereditary Cancer Syndrome. Identifiers: Orphanet 140162, MedGen C0027672, MeSH D009386, MONDO:0015356.
Hereditary breast ovarian cancer syndrome. Also called: Hereditary breast and/or ovarian cancer syndrome; Hereditary breast and ovarian cancer syndrome; Hereditary breast and ovarian cancer; Hereditary breast and ovarian cancer syndrome (HBOC); Breast and ovarian cancer; BRCA1- and BRCA2-Associated Hereditary Breast and Ovarian Cancer. Identifiers: Orphanet 145, MedGen C0677776, MeSH D061325, MONDO:0003582. Disease mechanism: loss of function.

Allele frequency attached by ClinVar (database versions not stated): TOPMed 0.00002; gnomAD 0.00003; 1000 Genomes Project 30x 0.00016; 1000 Genomes Project 0.00020.
gnomAD v4.1: 93 of 1,613,938 alleles (0.0058%); highest among the groups gnomAD compares: South Asian, 0.018%; 1 homozygote.

Submissions 1 to 8 of 21:

German Consortium for Hereditary Breast and Ovarian Cancer, University Hospital Cologne
Classification: Uncertain significance for Hereditary breast ovarian cancer syndrome. Last evaluated: 2026-08-11. Review status: criteria provided, single submitter. Criteria: ACMG SVI. Collection method: curation. Allele origin: germline.
Comment: This classification follows the ACMG SVI adaptation classification scheme; We chose these criteria: PP3 (supporting pathogenic): REVEL = 0.721, BS1 (strong benign): gnomAD V4.1.1 Grpmax Filtering AF = 0.0001097 (= 0.011%, thus < 0.0312% (internally established treshhold for BA1, but > 0.00312% (internally established treshhold for BS1))

PreventionGenetics, part of Exact Sciences
Classification: Uncertain significance for BRIP1-related condition. Last evaluated: 2026-05-13. Review status: criteria provided, single submitter. Criteria: ACMG Guidelines, 2015. Collection method: clinical testing. Allele origin: germline.
Comment: The BRIP1 c.2285G>A variant is predicted to result in the amino acid substitution p.Arg762His. This variant was reported in an individual that underwent evaluation for inherited cancer predisposition (Table S5, Tsaousis et al. 2019. PubMed ID: 31159747). This variant has also been reported in individuals with breast cancer and Lynch syndrome (Supplemental Table 2, Yurgelun et al. 2015. PubMed ID: 25980754; Supplemental Table 1, Easton et al. 2016. PubMed ID: 26921362; Table S4, Weber-Lassalle et al. 2018. PubMed ID: 29368626; Zografos et al. 2021. PubMed ID: 34011307). This variant is reported in 0.020% of alleles in individuals of South Asian descent in gnomAD and is interpreted as uncertain in ClinVar (Variation ID: 185226). At this time, the clinical significance of this variant is uncertain due to the absence of conclusive functional and genetic evidence.

Labcorp Genetics (formerly Invitae), Labcorp
Classification: Uncertain significance for Familial cancer of breast; Fanconi anemia complementation group J. Last evaluated: 2026-01-28. Review status: criteria provided, single submitter. Criteria: Invitae Variant Classification Sherloc (09022015). Collection method: clinical testing. Allele origin: germline.
Comment: This sequence change replaces arginine, which is basic and polar, with histidine, which is basic and polar, at codon 762 of the BRIP1 protein (p.Arg762His). This variant is present in population databases (rs200960251, gnomAD 0.02%). This missense change has been observed in individual(s) with breast cancer and Lynch syndrome (PMID: 25980754, 26921362, 29368626, 34011307, 35534704). ClinVar contains an entry for this variant (Variation ID: 185226). Invitae Evidence Modeling of protein sequence and biophysical properties (such as structural, functional, and spatial information, amino acid conservation, physicochemical variation, residue mobility, and thermodynamic stability) indicates that this missense variant is expected to disrupt BRIP1 protein function with a positive predictive value of 95%. In summary, the available evidence is currently insufficient to determine the role of this variant in disease. Therefore, it has been classified as a Variant of Uncertain Significance.

Women's Health and Genetics/Laboratory Corporation of America, LabCorp
Classification: Uncertain significance. Last evaluated: 2025-12-22. Review status: criteria provided, single submitter. Criteria: LabCorp Variant Classification Summary - May 2015. Collection method: clinical testing. Allele origin: germline.
Comment: Variant summary: BRIP1 c.2285G>A (p.Arg762His) results in a non-conservative amino acid change located in the ATP-dependent helicase, C-terminal domain (IPR006555) of the encoded protein sequence. Algorithms developed to predict the effect of missense changes on protein structure and function all suggest that this variant is likely to be disruptive. The variant allele was found at a frequency of 6.4e-05 in 263919 control chromosomes, predominantly at a frequency of 0.0002 within the South Asian subpopulation in the gnomAD database. The available data on variant occurrences in the general population are insufficient to allow any conclusion about variant significance. c.2285G>A has been observed in individuals affected with breast cancer and in an individual with suspected Lynch syndrome (Easton_2016, Weber-Lassalle_2018, Yurgelun_2015). These report(s) do not provide unequivocal conclusions about association of the variant with Hereditary Breast And Ovarian Cancer Syndrome. Co-occurrence with another pathogenic variant has been reported (BRCA2 c.145G>T, p.Glu49X, internal testing), providing supporting evidence for a benign role. To our knowledge, no experimental evidence demonstrating an impact on protein function has been reported. The following publications have been ascertained in the context of this evaluation (PMID: 25980754, 26921362, 29368626, 36243179). ClinVar contains an entry for this variant (Variation ID: 185226). Based on the evidence outlined above, the variant was classified as uncertain significance.

GeneDx
Classification: Uncertain significance. Last evaluated: 2025-08-15. Review status: criteria provided, single submitter. Criteria: GeneDx Variant Classification Process June 2021. Collection method: clinical testing. Allele origin: germline. Affected: yes.
Comment: In silico analysis supports that this missense variant has a deleterious effect on protein structure/function; Observed in individuals with a personal or family history of breast, ovarian, and/or colorectal cancer or polyps (PMID: 25980754, 26921362, 29368626, 33552952, 34011307, 35127508, 11301010, 35534704); This variant is associated with the following publications: (PMID: 26921362, 24163242, 25980754, 25801821, 29368626, 33552952, 31159747, 31214711, 34011307, 35127508, 11301010, 36243179, 35534704, 29641532)

KCCC/NGS Laboratory, Kuwait Cancer Control Center
Classification: Uncertain significance for Familial cancer of breast. Last evaluated: 2025-07-01. Review status: criteria provided, single submitter. Criteria: ACMG Guidelines, 2015. Collection method: clinical testing. Allele origin: germline. Inheritance: Autosomal dominant inheritance. Affected: yes.
Comment: the available evidence is currently insufficient to determine the role of this variant in disease. Therefore, it has been classified as a Variant of Uncertain Significance.

Quest Diagnostics Nichols Institute San Juan Capistrano
Classification: Uncertain significance. Last evaluated: 2025-06-04. Review status: criteria provided, single submitter. Criteria: Quest Diagnostics criteria. Collection method: clinical testing. Allele origin: unknown.
Comment: The BRIP1 c.2285G>A (p.Arg762His) variant has been reported in the published literature in individuals and/or families affected with breast and/or ovarian cancer (PMIDs: 31159747 (2019) and 33552952 (2020)), breast cancer (PMID: 26921362 (2016), 29368626 (2018), 34011307 (2021), 33471991 (2021), 35127508 (2021), 36011273 (2022), see also LOVD), cervical cancer (PMID: 39440754 (2025)), Lynch syndrome–associated cancer and/or polyps (PMID: 25980754 (2015)), prostate cancer (PMID: 36922933 (2022)), and biliary tract cancer (PMID: 36243179 (2022)). The variant has also identified in reportedly unaffected individuals (PMIDs: 31214711 (2020) and 33471991 (2021), see also LOVD). The frequency of this variant in the general population (Genome Aggregation Database) is uninformative in the assessment of its pathogenicity. Analysis of this variant using bioinformatics tools for the prediction of the effect of amino acid changes on protein structure and function yielded predictions that this variant is damaging. Based on the available information, we are unable to determine the clinical significance of this variant.

Center for Genomic Medicine, Rigshospitalet, Copenhagen University Hospital
Classification: Uncertain significance. Last evaluated: 2025-03-04. Review status: criteria provided, single submitter. Criteria: ACMG Guidelines, 2015. Collection method: clinical testing. Allele origin: germline.

NM_032043.3(BRIP1):c.2285G>A (p.Arg762His)

Gene: BRIP1 (BRCA1 interacting DNA helicase 1; minus strand). Cytogenetic location: 17q23.2.
Variant type: single nucleotide variant.
Coding change: c.2285G>A on transcript NM_032043.3 (MANE Select); coding-DNA position 2285, G replaced by A.
Protein change: p.Arg762His; replaces arginine 762 with histidine.
Molecular consequence: missense variant.
Genome position (GRCh38, 1-based): chr17:61,743,107, C>T on the plus strand (G>A on the coding strand, the complement: BRIP1 is on the minus strand). VCF-style: chr17-61743107-C-T. GRCh37 (hg19) VCF-style: chr17-59820468-C-T.
Other names: short protein forms R762H.
Identifiers: ClinVar variation 185226 (VCV000185226.56), dbSNP rs200960251, ClinGen allele CA191375.